The following is an entry in ClinVar:

NM_014159.7(SETD2):c.1261A>T (p.Arg421Trp)

Gene: SETD2 (SET domain containing 2, histone lysine methyltransferase; minus strand). Cytogenetic location: 3p21.31.
Variant type: single nucleotide variant.
Coding change: c.1261A>T on transcript NM_014159.7 (MANE Select); coding-DNA position 1261, A replaced by T.
Protein change: p.Arg421Trp; replaces arginine 421 with tryptophan.
Molecular consequence: missense variant. On other transcripts: non-coding transcript variant (1).
Genome position (GRCh38, 1-based): chr3:47,123,375, T>A on the plus strand (A>T on the coding strand, the complement: SETD2 is on the minus strand). VCF-style: chr3-47123375-T-A. GRCh37 (hg19) VCF-style: chr3-47164865-T-A.
Other names: c.1129A>T, p.Arg377Trp (NM_001349370.3); short protein forms R377W, R421W.
Identifiers: ClinVar variation 1805912 (VCV001805912.1), dbSNP rs1399084180, ClinGen allele CA352531502.
Genomic context (GRCh38, chr3:47,123,375, plus strand): 5'-GATAAGGGGAGCTCCTATGGTAGCGACGATCAGAGTCATAATAATGAGATCGTTCTGACC[T>A]GGAATAGGATAAATTAGTTCTAGAGCCTCTCTCAGACCTAGAGTGAGATCTGCTCCGCCG-3'
Protein context (NP_054878.5, residues 411-431): RGSRTNLSYS[Arg421Trp]SERSHYYDSD

ClinVar aggregate classification (germline): Uncertain significance (1 of 4 stars; one submission).

Conditions:
Luscan-Lumish syndrome. Identifiers: Orphanet 597738, MedGen C4085873, MONDO:0014791, OMIM 616831.

Allele frequency attached by ClinVar (database versions not stated): gnomAD 0.00001; TOPMed 0.00002.
gnomAD v4.1: 21 of 1,551,578 alleles (0.0014%); highest among the groups gnomAD compares: Non-Finnish European, 0.0018%; no homozygotes.

Submission:

Victorian Clinical Genetics Services, Murdoch Childrens Research Institute
Classification: Uncertain significance for Luscan-Lumish syndrome. Last evaluated: 2020-05-21. Review status: criteria provided, single submitter. Criteria: ACMG Guidelines, 2015. Collection method: clinical testing. Allele origin: germline. Inheritance: Autosomal dominant inheritance. Affected: yes.
Comment: Based on the classification scheme VCGS_Germline_v1.1.0, this variant is classified as VOUS. Following criteria are met: 0102 - Loss-of-function is a known mechanism of disease for this gene. (N) 0107 - This gene is known to be associated with autosomal dominant disease. (N) 0200 - Variant is predicted to result in a missense amino acid change from arginine to tryptophan. (N) 0251 - Variant is heterozygous. (N) 0302 - Variant is present in gnomAD <0.001 for dominant condition (2 Het, 0 Hom). (P) 0309 - An alternative amino acid change at the same position has been observed in gnomAD (1 Het, 0 Hom). (N) 0501 - Missense variant consistently predicted to be damaging by multiple in-silico tools or highly conserved with a major amino acid change. (P) 0604 - Variant is not located in an established domain, motif, hotspot or informative constraint region. (N) 0705 - No comparable variants have previous evidence for pathogenicity. (N) 0807 - Variant has not previously been reported in a clinical context. (N) 0905 - No segregation evidence has been identified for this variant. (N) 1007 - No published functional evidence has been identified for this variant. (N)